The following is an entry in ClinVar:

NM_022765.4(MICAL1):c.466+4A>G

Gene: MICAL1 (microtubule associated monooxygenase, calponin and LIM domain containing 1; minus strand). Cytogenetic location: 6q21.
Variant type: single nucleotide variant.
Coding change: c.466+4A>G on transcript NM_022765.4 (MANE Select); 4 bases into the intron after coding-DNA position 466, A replaced by G.
Molecular consequence: intron variant.
Genome position (GRCh38, 1-based): chr6:109,453,634, T>C on the plus strand (A>G on the coding strand, the complement: MICAL1 is on the minus strand). VCF-style: chr6-109453634-T-C. GRCh37 (hg19) VCF-style: chr6-109774837-T-C.
Other names: c.523+4A>G (NM_001286613.2); c.466+4A>G (NM_001159291.2).
Identifiers: ClinVar variation 1955200 (VCV001955200.5), dbSNP rs1463784856, ClinGen allele CA817055791.

ClinVar aggregate classification (germline): Uncertain significance (1 of 4 stars; one submission).

Allele frequency attached by ClinVar (database versions not stated): gnomAD exomes below 0.00001; TOPMed 0.00001.
gnomAD v4.1: 2 of 1,592,576 alleles (0.00013%); highest among the groups gnomAD compares: Non-Finnish European, 0.00017%; no homozygotes.

Submission:

Labcorp Genetics (formerly Invitae), Labcorp
Classification: Uncertain significance. Last evaluated: 2023-10-15. Review status: criteria provided, single submitter. Criteria: Invitae Variant Classification Sherloc (09022015). Collection method: clinical testing. Allele origin: germline.
Comment: This sequence change falls in intron 3 of the MICAL1 gene. It does not directly change the encoded amino acid sequence of the MICAL1 protein. It affects a nucleotide within the consensus splice site. This variant is not present in population databases (gnomAD no frequency). This variant has not been reported in the literature in individuals affected with MICAL1-related conditions. ClinVar contains an entry for this variant (Variation ID: 1955200). Variants that disrupt the consensus splice site are a relatively common cause of aberrant splicing (PMID: 17576681, 9536098). Algorithms developed to predict the effect of sequence changes on RNA splicing suggest that this variant may disrupt the consensus splice site. In summary, the available evidence is currently insufficient to determine the role of this variant in disease. Therefore, it has been classified as a Variant of Uncertain Significance.

Literature cited by the submitters: PubMed 17576681; PubMed 9536098.